The following is an entry in ClinVar:

ClinVar aggregate classification (germline): Uncertain significance. Review status: criteria provided, multiple submitters, no conflicts (2 of 4 stars). 2 submissions from 2 submitters: Uncertain significance (2). Last evaluated 2025-08-08.

Conditions:
Hereditary nonpolyposis colorectal neoplasms. Identifiers: MedGen C0009405, MeSH D003123.
Hereditary cancer-predisposing syndrome. Also called: Neoplastic Syndromes, Hereditary; Hereditary Cancer Syndrome; Tumor predisposition; Hereditary neoplastic syndrome. Identifiers: Orphanet 140162, MedGen C0027672, MeSH D009386, MONDO:0015356.

Submissions (2):

Ambry Genetics
Classification: Uncertain significance for Hereditary cancer-predisposing syndrome. Last evaluated: 2025-08-08. Review status: criteria provided, single submitter. Criteria: Ambry Variant Classification Scheme 2023. Collection method: clinical testing. Allele origin: germline.
Comment: The p.V1056L variant (also known as c.3166G>T), located in coding exon 4 of the MSH6 gene, results from a G to T substitution at nucleotide position 3166. The valine at codon 1056 is replaced by leucine, an amino acid with highly similar properties. This amino acid position is highly conserved in available vertebrate species. In addition, the in silico prediction for this alteration is inconclusive. Based on the available evidence, the clinical significance of this variant remains unclear.

Labcorp Genetics (formerly Invitae), Labcorp
Classification: Uncertain significance for Hereditary nonpolyposis colorectal neoplasms. Last evaluated: 2023-11-13. Review status: criteria provided, single submitter. Criteria: Invitae Variant Classification Sherloc (09022015). Collection method: clinical testing. Allele origin: germline.
Comment: This sequence change replaces valine, which is neutral and non-polar, with leucine, which is neutral and non-polar, at codon 1056 of the MSH6 protein (p.Val1056Leu). This variant is not present in population databases (gnomAD no frequency). This variant has not been reported in the literature in individuals affected with MSH6-related conditions. Advanced modeling of protein sequence and biophysical properties (such as structural, functional, and spatial information, amino acid conservation, physicochemical variation, residue mobility, and thermodynamic stability) performed at Invitae indicates that this missense variant is not expected to disrupt MSH6 protein function with a negative predictive value of 95%. In summary, the available evidence is currently insufficient to determine the role of this variant in disease. Therefore, it has been classified as a Variant of Uncertain Significance.

NM_000179.3(MSH6):c.3166G>T (p.Val1056Leu)

Gene: MSH6 (mutS homolog 6; plus strand). Cytogenetic location: 2p16.3.
Variant type: single nucleotide variant.
Coding change: c.3166G>T on transcript NM_000179.3 (MANE Select); coding-DNA position 3166, G replaced by T.
Protein change: p.Val1056Leu; replaces valine 1056 with leucine.
Molecular consequence: missense variant. On other transcripts: non-coding transcript variant (5), intron variant (2).
Genome position (GRCh38, 1-based): chr2:47,801,149, G>T. VCF-style: chr2-47801149-G-T. GRCh37 (hg19) VCF-style: chr2-48028288-G-T.
Other names: c.2776G>T, p.Val926Leu (NM_001281492.2); c.2260G>T, p.Val754Leu (NM_001281493.2, NM_001281494.2, NM_001406811.1 and 6 more transcripts); c.3262G>T, p.Val1088Leu (NM_001406795.1, NM_001406802.1); c.3166G>T, p.Val1056Leu (NM_001406796.1, NM_001406798.1, NM_001406800.1 and 2 more transcripts); c.2869G>T, p.Val957Leu (NM_001406797.1, NM_001406801.1, NM_001406805.1 and 10 more transcripts); c.2641G>T, p.Val881Leu (NM_001406799.1, NM_001406806.1, NM_001406807.1); c.3088G>T, p.Val1030Leu (NM_001406804.1); c.3172G>T, p.Val1058Leu (NM_001406813.1); and 4 more; short protein forms V881L, V1058L, V1088L, V371L, V957L, V1030L, V754L, V1000L.
Identifiers: ClinVar variation 2752690 (VCV002752690.4), dbSNP rs952911807, ClinGen allele CA346756740.